The following is an entry in ClinVar:

NM_004369.4(COL6A3):c.6967G>A (p.Gly2323Ser)

Gene: COL6A3 (collagen type VI alpha 3 chain; minus strand). Cytogenetic location: 2q37.3.
Variant type: single nucleotide variant.
Coding change: c.6967G>A on transcript NM_004369.4 (MANE Select); coding-DNA position 6967, G replaced by A.
Protein change: p.Gly2323Ser; replaces glycine 2323 with serine.
Molecular consequence: missense variant.
Genome position (GRCh38, 1-based): chr2:237,347,869, C>T on the plus strand (G>A on the coding strand, the complement: COL6A3 is on the minus strand). VCF-style: chr2-237347869-C-T. GRCh37 (hg19) VCF-style: chr2-238256512-C-T.
Other names: c.5146G>A, p.Gly1716Ser (NM_057166.5); c.6349G>A, p.Gly2117Ser (NM_057167.4); short protein forms G1716S, G2117S, G2323S.
Identifiers: ClinVar variation 1709477 (VCV001709477.2), dbSNP rs1315877654, ClinGen allele CA351207497.

ClinVar aggregate classification (germline): Likely pathogenic (1 of 4 stars; one submission).

Conditions:
Bethlem myopathy 1A. Also called: Bethlem Muscular Dystrophy; MYOPATHY, BENIGN CONGENITAL, WITH CONTRACTURES; Bethlem myopathy 1. Identifiers: Orphanet 610, MedGen CN029274, MONDO:0024530, OMIM 158810.

Submission:

MGZ Medical Genetics Center
Classification: Likely pathogenic for Bethlem myopathy 1A. Last evaluated: 2022-05-23. Review status: criteria provided, single submitter. Criteria: ACMG Guidelines, 2015. Collection method: clinical testing. Allele origin: germline. Affected: yes. Observed: 1 variant allele.
Comment: ACMG criteria applied: PM1_STR, PM2_SUP, PP3